The following is an entry in ClinVar:

NM_020461.4(TUBGCP6):c.34dup (p.Cys12fs)

Gene: TUBGCP6 (tubulin gamma complex component 6; minus strand). Cytogenetic location: 22q13.33.
Variant type: Duplication.
Coding change: c.34dup on transcript NM_020461.4 (MANE Select); coding-DNA position 34, one base duplicated (T; older notation c.34dupT).
Protein change: p.Cys12fs; shifts the reading frame from cysteine 12.
Molecular consequence: frameshift variant.
Genome position (GRCh38, 1-based): chr22:50,244,426, A duplicated on the plus strand (T on the coding strand, the reverse complement: TUBGCP6 is on the minus strand). VCF-style (leftmost placement, unchanged base first): chr22-50244425-C-CA. GRCh37 (hg19) VCF-style: chr22-50682854-C-CA.
Other names: short protein forms C12fs.
Identifiers: ClinVar variation 4755740 (VCV004755740.1).

ClinVar aggregate classification (germline): Likely pathogenic (1 of 4 stars; one submission).

Submission:

GeneDx
Classification: Likely pathogenic. Last evaluated: 2025-08-04. Review status: criteria provided, single submitter. Criteria: GeneDx Variant Classification Process June 2021. Collection method: clinical testing. Allele origin: germline. Affected: yes.
Comment: Reported previously in an unaffected carrier; however, no further information was provided (PMID: 31964843); Frameshift variant predicted to result in protein truncation or nonsense mediated decay in a gene for which loss of function is a known mechanism of disease; Not observed at significant frequency in large population cohorts (gnomAD); This variant is associated with the following publications: (PMID: 31964843)